The following is an entry in ClinVar:

NM_004482.4(GALNT3):c.1342A>G (p.Lys448Glu)

Gene: GALNT3 (polypeptide N-acetylgalactosaminyltransferase 3; minus strand). Cytogenetic location: 2q24.3.
Variant type: single nucleotide variant.
Coding change: c.1342A>G on transcript NM_004482.4 (MANE Select); coding-DNA position 1342, A replaced by G.
Protein change: p.Lys448Glu; replaces lysine 448 with glutamic acid.
Molecular consequence: missense variant.
Genome position (GRCh38, 1-based): chr2:165,757,097, T>C on the plus strand (A>G on the coding strand, the complement: GALNT3 is on the minus strand). VCF-style: chr2-165757097-T-C. GRCh37 (hg19) VCF-style: chr2-166613607-T-C.
Other names: short protein forms K448E.
Identifiers: ClinVar variation 652851 (VCV000652851.7), dbSNP rs1041076405, ClinGen allele CA59747305.

ClinVar aggregate classification (germline): Conflicting classifications of pathogenicity. Review status: criteria provided, conflicting classifications (1 of 4 stars). 2 submissions from 2 submitters: Likely pathogenic (1); Uncertain significance (1). Last evaluated 2024-02-12.

Conditions:
Tumoral calcinosis, hyperphosphatemic, familial, 1. Also called: HYPEROSTOSIS WITH HYPERPHOSPHATEMIA; HYPEROSTOSIS-HYPERPHOSPHATEMIA SYNDROME; CORTICAL HYPEROSTOSIS WITH HYPERPHOSPHATEMIA; CALCINOSIS, TUMORAL, WITH HYPERPHOSPHATEMIA; LIPOCALCINOGRANULOMATOSIS; MORBUS TEUTSCHLAENDER. Identifiers: Orphanet 53715, MedGen C4692564, MONDO:0100252, OMIM 211900.

gnomAD v4.1: 1 of 1,613,958 alleles (0.000062%); highest among the groups gnomAD compares: African/African-American, 0.0013%; no homozygotes.

Submissions (2):

Fulgent Genetics
Classification: Likely pathogenic for Tumoral calcinosis, hyperphosphatemic, familial, 1. Last evaluated: 2024-02-12. Review status: criteria provided, single submitter. Criteria: ACMG Guidelines, 2015. Collection method: clinical testing. Allele origin: germline.

Labcorp Genetics (formerly Invitae), Labcorp
Classification: Uncertain significance. Last evaluated: 2021-08-13. Review status: criteria provided, single submitter. Criteria: Invitae Variant Classification Sherloc (09022015). Collection method: clinical testing. Allele origin: germline.
Comment: This sequence change replaces lysine with glutamic acid at codon 448 of the GALNT3 protein (p.Lys448Glu). The lysine residue is highly conserved and there is a small physicochemical difference between lysine and glutamic acid. This variant is not present in population databases (ExAC no frequency). This missense change has been observed in individual(s) with clinical features of GALNT3-related conditions (Invitae). Algorithms developed to predict the effect of missense changes on protein structure and function are either unavailable or do not agree on the potential impact of this missense change (SIFT: "Deleterious"; PolyPhen-2: "Probably Damaging"; Align-GVGD: "Class C0"). In summary, the available evidence is currently insufficient to determine the role of this variant in disease. Therefore, it has been classified as a Variant of Uncertain Significance.